The following is an entry in ClinVar:

ClinVar aggregate classification (germline): Pathogenic (1 of 4 stars; one submission).

Conditions:
GNE myopathy (NM). Also called: IBM 2; Inclusion body myopathy autosomal recessive; Inclusion body myopathy quadriceps sparing; NONAKA DISTAL MYOPATHY; INCLUSION BODY MYOPATHY, HEREDITARY, AUTOSOMAL RECESSIVE; INCLUSION BODY MYOPATHY 2, AUTOSOMAL RECESSIVE. Identifiers: Orphanet 602, MedGen C1853926, MONDO:0011603, OMIM 605820.

Submission:

Myriad Genetics, Inc.
Classification: Pathogenic for GNE myopathy. Last evaluated: 2025-04-02. Review status: criteria provided, single submitter. Criteria: Myriad Autosomal Dominant, Autosomal Recessive and X-Linked Classification Criteria (2023). Collection method: clinical testing. Allele origin: unknown.
Comment: NM_001128227.2(GNE):c.2167C>T(Q723*) is a nonsense variant classified as pathogenic in the context of GNE myopathy. Q723* has not been observed in cases with relevant disease. Relevant functional assessments of this variant are not available in the literature. Q723* has not been observed in referenced population frequency databases. In summary, NM_001128227.2(GNE):c.2167C>T(Q723*) is a nonsense variant in a gene where loss of function is a known mechanism of disease and is predicted to disrupt protein function. Please note: this variant was assessed in the context of healthy population screening.

NM_005476.7(GNE):c.2074C>T (p.Gln692Ter)

Gene: GNE (glucosamine (UDP-N-acetyl)-2-epimerase/N-acetylmannosamine kinase; minus strand). Cytogenetic location: 9p13.3.
Variant type: single nucleotide variant.
Coding change: c.2074C>T on transcript NM_005476.7 (MANE Select); coding-DNA position 2074, C replaced by T.
Protein change: p.Gln692Ter; replaces glutamine 692 with a stop codon.
Molecular consequence: nonsense.
Genome position (GRCh38, 1-based): chr9:36,217,460, G>A on the plus strand (C>T on the coding strand, the complement: GNE is on the minus strand). VCF-style: chr9-36217460-G-A. GRCh37 (hg19) VCF-style: chr9-36217457-G-A.
Other names: c.2167C>T, p.Gln723Ter (NM_001128227.3); c.1852C>T, p.Gln618Ter (NM_001190383.3); c.1744C>T, p.Gln582Ter (NM_001190384.3); c.1897C>T, p.Gln633Ter (NM_001190388.2, NM_001374798.1); c.1921C>T, p.Gln641Ter (NM_001374797.1); short protein forms Q582*, Q618*, Q633*, Q641*, Q692*, Q723*.
Identifiers: ClinVar variation 4081696 (VCV004081696.1).